The following is an entry in ClinVar:

ClinVar aggregate classification (germline): Pathogenic/Likely pathogenic. Review status: criteria provided, multiple submitters, no conflicts (2 of 4 stars). 4 submissions from 4 submitters: Pathogenic (2); Likely pathogenic (1). 1 of the submissions does not count toward it. Last evaluated 2025-09-13.

Conditions:
Alpha-1-antitrypsin deficiency (A1ATD). Also called: Alpha1-Antitrypsin Deficiency; AAT deficiency; A1AT deficiency. Identifiers: Orphanet 60, MedGen C0221757, MONDO:0013282, OMIM 613490.

Allele frequency attached by ClinVar (database versions not stated): TOPMed 0.00002.

Submissions (4):

Labcorp Genetics (formerly Invitae), Labcorp
Classification: Pathogenic for Alpha-1-antitrypsin deficiency. Last evaluated: 2025-09-13. Review status: criteria provided, single submitter. Criteria: Invitae Variant Classification Sherloc (09022015). Collection method: clinical testing. Allele origin: germline.
Comment: This sequence change creates a premature translational stop signal (p.Tyr184*) in the SERPINA1 gene. It is expected to result in an absent or disrupted protein product. Loss-of-function variants in SERPINA1 are known to be pathogenic (PMID: 25425243). This variant is present in population databases (rs199422210, gnomAD 0.005%). This premature translational stop signal has been observed in individual(s) with SERPINA1-related conditions (PMID: 18024524). This variant is also known as p.Tyr160*. ClinVar contains an entry for this variant (Variation ID: 188854). For these reasons, this variant has been classified as Pathogenic.

Baylor Genetics
Classification: Likely pathogenic for Alpha-1-antitrypsin deficiency. Last evaluated: 2024-02-05. Review status: criteria provided, single submitter. Criteria: ACMG Guidelines, 2015. Collection method: clinical testing. Allele origin: unknown.

Fulgent Genetics
Classification: Pathogenic for Alpha-1-antitrypsin deficiency. Last evaluated: 2022-01-17. Review status: criteria provided, single submitter. Criteria: ACMG Guidelines, 2015. Collection method: clinical testing. Allele origin: unknown.

Counsyl
Classification: Likely pathogenic for Alpha-1-antitrypsin deficiency. Last evaluated: 2014-06-27. Review status: no assertion criteria provided. Collection method: literature only. Allele origin: unknown. Inheritance: Autosomal recessive inheritance. Not counted in ClinVar's aggregate classification.

Literature cited by the submitters: PubMed 25425243 (cited by Labcorp Genetics (formerly Invitae), Labcorp); PubMed 18024524 (cited by Labcorp Genetics (formerly Invitae), Labcorp and Counsyl); PubMed 2481421 (cited by Counsyl); PubMed 18353624 (cited by Counsyl); PubMed 3040726 (cited by Counsyl).

NM_000295.5(SERPINA1):c.552C>G (p.Tyr184Ter)

Gene: SERPINA1 (serpin family A member 1; minus strand). Cytogenetic location: 14q32.13.
Variant type: single nucleotide variant.
Coding change: c.552C>G on transcript NM_000295.5 (MANE Select); coding-DNA position 552, C replaced by G.
Protein change: p.Tyr184Ter; replaces tyrosine 184 with a stop codon.
Molecular consequence: nonsense.
Genome position (GRCh38, 1-based): chr14:94,382,686, G>C on the plus strand (C>G on the coding strand, the complement: SERPINA1 is on the minus strand). VCF-style: chr14-94382686-G-C. GRCh37 (hg19) VCF-style: chr14-94849023-G-C.
Other names: c.552C>G, p.Tyr184Ter (NM_001002235.3, NM_001002236.3, NM_001127700.2 and 7 more transcripts); short protein forms Y184*.
Identifiers: ClinVar variation 188854 (VCV000188854.14), dbSNP rs199422210, ClinGen allele CA274042.
Genomic context (GRCh38, chr14:94,382,686, plus strand): 5'-TGTGTCTCTGTCAAGCTCCTTGACCAAATCCACAATTTTCCCTTGAGTACCCTTCTCCAC[G>C]TAATCGTTGATCTGTTTCTTGGCCTCTTCGGTGTCCCCGAAGTTGACAGTGAAGGCTTCT-3'